The following is an entry in ClinVar:

NM_021615.5(CHST6):c.-78T>C

Gene: CHST6 (carbohydrate sulfotransferase 6; minus strand). Cytogenetic location: 16q23.1.
Variant type: single nucleotide variant.
Coding change: c.-78T>C on transcript NM_021615.5 (MANE Select); 78 bases upstream of the start codon, T replaced by C.
Molecular consequence: 5 prime UTR variant. On other transcripts: non-coding transcript variant (2).
Genome position (GRCh38, 1-based): chr16:75,481,878, A>G on the plus strand (T>C on the coding strand, the complement: CHST6 is on the minus strand). VCF-style: chr16-75481878-A-G. GRCh37 (hg19) VCF-style: chr16-75515776-A-G.
Identifiers: ClinVar variation 320618 (VCV000320618.5), dbSNP rs114012239, ClinGen allele CA10638422.
Genomic context (GRCh38, chr16:75,481,878, plus strand): 5'-ACTGTCCAGGGCTGCTGGGAGAGCTGCAACGCTGATCACAAATCCATGGGAGATGATTAG[A>G]GGTTCCTCAGCACCTGGTAAAGCAGGAGGGCGATGGAGTCACACTCTACAGGGGAAGATA-3'

ClinVar aggregate classification (germline): Likely benign (1 of 4 stars; one submission).

Conditions:
Macular corneal dystrophy (MCD). Also called: GROENOUW TYPE II CORNEAL DYSTROPHY; Macular corneal dystrophy Type I. Identifiers: Orphanet 98969, MedGen C1636149, MONDO:0009020, OMIM 217800.

Allele frequency attached by ClinVar (database versions not stated): gnomAD exomes 0.00121; gnomAD 0.01128 and 0.01207; 1000 Genomes Project 0.01198; TOPMed 0.01300; 1000 Genomes Project 30x 0.01452.
gnomAD v4.1: 2,152 of 518,768 alleles (0.41%); highest among the groups gnomAD compares: African/African-American, 3.8%; 42 homozygotes.

Submission:

Illumina Laboratory Services, Illumina
Classification: Likely benign for Macular corneal dystrophy. Last evaluated: 2017-04-27. Review status: criteria provided, single submitter. Criteria: ICSL Variant Classification Criteria 13 December 2019. Collection method: clinical testing. Allele origin: germline.
Comment: This variant was observed as part of a predisposition screen in an ostensibly healthy population. A literature search was performed for the gene, cDNA change, and amino acid change (where applicable). No publications were found based on this search. Allele frequency data from public databases allowed determination this variant is unlikely to cause disease. Therefore, this variant is classified as likely benign.